The following is an entry in ClinVar:

ClinVar aggregate classification (germline): Likely benign (0 of 4 stars; one submission).

Conditions:
NAV2-related disorder. Also called: NAV2-related condition.

Allele frequency attached by ClinVar (database versions not stated): gnomAD 0.00011; TOPMed 0.00023; ExAC 0.00054.
gnomAD v4.1: 208 of 1,610,442 alleles (0.013%); highest among the groups gnomAD compares: Admixed American, 0.27%; no homozygotes.

Submission:

PreventionGenetics, part of Exact Sciences
Classification: Likely benign for NAV2-related condition. Last evaluated: 2022-03-15. Review status: no assertion criteria provided. Collection method: clinical testing. Allele origin: germline.
Comment: This variant is classified as likely benign based on ACMG/AMP sequence variant interpretation guidelines (Richards et al. 2015 PMID: 25741868, with internal and published modifications).

NM_145117.5(NAV2):c.1267C>T (p.Arg423Trp)

Gene: NAV2 (neuron navigator 2; plus strand). Cytogenetic location: 11p15.1.
Variant type: single nucleotide variant.
Coding change: c.1267C>T on transcript NM_145117.5 (MANE Select); coding-DNA position 1267, C replaced by T.
Protein change: p.Arg423Trp; replaces arginine 423 with tryptophan.
Molecular consequence: missense variant.
Genome position (GRCh38, 1-based): chr11:19,933,511, C>T. VCF-style: chr11-19933511-C-T. GRCh37 (hg19) VCF-style: chr11-19955057-C-T.
Other names: c.1075C>T, p.Arg359Trp (NM_001111018.2); c.1336C>T, p.Arg446Trp (NM_001244963.2); c.1267C>T, p.Arg423Trp (NM_182964.6); short protein forms R359W, R423W, R446W.
Identifiers: ClinVar variation 3058727 (VCV003058727.2), dbSNP rs775021883, ClinGen allele CA5917847.